The following is an entry in ClinVar:

ClinVar aggregate classification (germline): Conflicting classifications of pathogenicity. Review status: criteria provided, conflicting classifications (1 of 4 stars). 2 submissions from 2 submitters: Uncertain significance (1); Likely benign (1). Last evaluated 2026-02-17.

Conditions:
Hereditary breast ovarian cancer syndrome. Also called: Hereditary breast and/or ovarian cancer syndrome; Hereditary breast and ovarian cancer syndrome (HBOC); Hereditary breast and ovarian cancer; BRCA1- and BRCA2-Associated Hereditary Breast and Ovarian Cancer; Hereditary breast and ovarian cancer syndrome; Breast and ovarian cancer. Identifiers: Orphanet 145, MedGen C0677776, MeSH D061325, MONDO:0003582. Disease mechanism: loss of function.
Hereditary cancer-predisposing syndrome. Also called: Neoplastic Syndromes, Hereditary; Hereditary neoplastic syndrome; Tumor predisposition; Hereditary Cancer Syndrome. Identifiers: Orphanet 140162, MedGen C0027672, MeSH D009386, MONDO:0015356.

Submissions (2):

Ambry Genetics
Classification: Likely benign for Hereditary cancer-predisposing syndrome. Last evaluated: 2026-02-17. Review status: criteria provided, single submitter. Criteria: Ambry Variant Classification Scheme 2023. Collection method: clinical testing. Allele origin: germline.

Labcorp Genetics (formerly Invitae), Labcorp
Classification: Uncertain significance for Hereditary breast ovarian cancer syndrome. Last evaluated: 2025-02-27. Review status: criteria provided, single submitter. Criteria: Invitae Variant Classification Sherloc (09022015). Collection method: clinical testing. Allele origin: germline.
Comment: This sequence change replaces serine, which is neutral and polar, with arginine, which is basic and polar, at codon 1173 of the BRCA1 protein (p.Ser1173Arg). This variant is not present in population databases (gnomAD no frequency). This variant has not been reported in the literature in individuals affected with BRCA1-related conditions. Invitae Evidence Modeling of protein sequence and biophysical properties (such as structural, functional, and spatial information, amino acid conservation, physicochemical variation, residue mobility, and thermodynamic stability) indicates that this missense variant is not expected to disrupt BRCA1 protein function with a negative predictive value of 80%. In summary, the available evidence is currently insufficient to determine the role of this variant in disease. Therefore, it has been classified as a Variant of Uncertain Significance.

NM_007294.4(BRCA1):c.3519T>G (p.Ser1173Arg)

Genes: BRCA1 (BRCA1 DNA repair associated; minus strand), LOC126862571 (BRD4-independent group 4 enhancer GRCh37_chr17:41243136-41244335; plus strand). Cytogenetic location: 17q21.31.
Variant type: single nucleotide variant.
Coding change: c.3519T>G on transcript NM_007294.4 (MANE Select); coding-DNA position 3519, T replaced by G.
Protein change: p.Ser1173Arg; replaces serine 1173 with arginine.
Molecular consequence: missense variant. On other transcripts: intron variant (135).
Genome position (GRCh38, 1-based): chr17:43,092,012, A>C on the plus strand (T>G on the coding strand, the complement: BRCA1 is on the minus strand). VCF-style: chr17-43092012-A-C. GRCh37 (hg19) VCF-style: chr17-41244029-A-C.
Other names: c.3135T>G, p.Ser1045Arg (NM_001407962.1); c.3138T>G, p.Ser1046Arg (NM_001407963.1, NM_001407959.1, NM_001407960.1); c.3375T>G, p.Ser1125Arg (NM_001407964.1, NM_001407740.1, NM_001407741.1 and 20 more transcripts); c.3015T>G, p.Ser1005Arg (NM_001407965.1); c.2631T>G, p.Ser877Arg (NM_001407966.1, NM_001407967.1); c.915T>G, p.Ser305Arg (NM_001407968.1, NM_001407969.1); c.3378T>G, p.Ser1126Arg (NM_001407944.1, NM_001407945.1, NM_001407692.1 and 29 more transcripts); c.3186T>G, p.Ser1062Arg (NM_001407946.1, NM_001407947.1, NM_001407948.1 and 6 more transcripts); and 41 more; short protein forms S1084R, S1102R, S1103R, S1105R, S305R, S1125R, S1170R, S1172R.
Identifiers: ClinVar variation 4749074 (VCV004749074.2).